The following is an entry in ClinVar:

ClinVar aggregate classification (germline): Uncertain significance (1 of 4 stars; one submission).

Submission:

Labcorp Genetics (formerly Invitae), Labcorp
Classification: Uncertain significance. Last evaluated: 2021-04-21. Review status: criteria provided, single submitter. Criteria: Invitae Variant Classification Sherloc (09022015). Collection method: clinical testing. Allele origin: germline.
Comment: In summary, the available evidence is currently insufficient to determine the role of this variant in disease. Therefore, it has been classified as a Variant of Uncertain Significance. Algorithms developed to predict the effect of missense changes on protein structure and function are either unavailable or do not agree on the potential impact of this missense change (SIFT: "Tolerated"; PolyPhen-2: "Probably Damaging"; Align-GVGD: "Class C0"). This variant has not been reported in the literature in individuals with POLG2-related conditions. This variant is not present in population databases (ExAC no frequency). This sequence change replaces alanine with glycine at codon 384 of the POLG2 protein (p.Ala384Gly). The alanine residue is highly conserved and there is a small physicochemical difference between alanine and glycine.

NM_007215.4(POLG2):c.1151C>G (p.Ala384Gly)

Genes: MILR1 (mast cell immunoglobulin like receptor 1; plus strand), POLG2 (DNA polymerase gamma 2, accessory subunit; minus strand). Cytogenetic location: 17q23.3.
Variant type: single nucleotide variant.
Coding change: c.1151C>G on transcript NM_007215.4 (MANE Select); coding-DNA position 1151, C replaced by G.
Protein change: p.Ala384Gly; replaces alanine 384 with glycine.
Molecular consequence: missense variant.
Genome position (GRCh38, 1-based): chr17:64,482,959, G>C on the plus strand (C>G on the coding strand, the complement: POLG2 is on the minus strand). VCF-style: chr17-64482959-G-C. GRCh37 (hg19) VCF-style: chr17-62479076-G-C.
Other names: short protein forms A384G.
Identifiers: ClinVar variation 1480739 (VCV001480739.8), dbSNP rs1555666802, ClinGen allele CA400637035.